The following is an entry in ClinVar:

NM_015102.5(NPHP4):c.3930_3939del (p.Asp1311fs)

Gene: NPHP4 (nephrocystin 4; minus strand). Cytogenetic location: 1p36.31.
Variant type: Deletion.
Coding change: c.3930_3939del on transcript NM_015102.5 (MANE Select); coding-DNA positions 3930 to 3939, 10 bases deleted (GGATTGCCAC; older notation c.3930_3939delGGATTGCCAC).
Protein change: p.Asp1311fs; shifts the reading frame from aspartic acid 1311.
Molecular consequence: frameshift variant. On other transcripts: non-coding transcript variant (1).
Genome position (GRCh38, 1-based): chr1:5,864,395-5,864,404, GTGGCAATCC deleted on the plus strand (GGATTGCCAC on the coding strand, the reverse complement: NPHP4 is on the minus strand). VCF-style (leftmost placement, unchanged base first): chr1-5864394-GGTGGCAATCC-G. GRCh37 (hg19) VCF-style: chr1-5924454-GGTGGCAATCC-G.
Other names: c.2391_2400del, p.Asp798fs (NM_001291593.2); c.2394_2403del, p.Asp799fs (NM_001291594.2); short protein forms D1311fs, D798fs, D799fs.
Identifiers: ClinVar variation 562365 (VCV000562365.9), dbSNP rs1557580413, ClinGen allele CA658820976.

ClinVar aggregate classification (germline): Conflicting classifications of pathogenicity. Review status: criteria provided, conflicting classifications (1 of 4 stars). 3 submissions from 3 submitters: Pathogenic (1); Uncertain significance (1). 1 of the submissions does not count toward it. Last evaluated 2025-06-06.

Conditions:
Nephronophthisis. Also called: Juvenile Nephronophthisis. Identifiers: Orphanet 655, MedGen C0687120, MONDO:0019005, HP:0000090.

Submissions (3):

Dasa
Classification: Uncertain significance. Last evaluated: 2025-06-06. Review status: criteria provided, single submitter. Criteria: DASA Assertion Criteria. Collection method: clinical testing. Allele origin: germline.
Comment: NM_015102.5(NPHP4):c.3930_3939del (p.Asp1311Serfs*92) is a frameshift variant in NPHP4 predicted to alter the reading frame and introduce a premature termination codon and is predicted to result in an absent or altered protein product. This variant is rare in population databases. The currently available literature and clinical evidence are not sufficient to establish a definitive association between this variant and the reported condition. Therefore, this variant is classified as a variant of uncertain significance.

Labcorp Genetics (formerly Invitae), Labcorp
Classification: Pathogenic for Nephronophthisis. Last evaluated: 2014-08-09. Review status: criteria provided, single submitter. Criteria: Invitae Variant Classification Sherloc (09022015). Collection method: clinical testing. Allele origin: germline.
Comment: It has been classified as Pathogenic. This sequence change results in a small deletion defined as c.3930_3939del, which is predicted to cause a translational frameshift and premature protein termination (p.Asp1311SerfsX92). A frameshift in the NPHP4 gene is expected to be pathogenic. This sequence has not been reported in the literature and is not seen in the general population.

Gharavi Laboratory, Columbia University
Classification: Likely pathogenic. Last evaluated: 2018-09-16. Review status: no assertion criteria provided. Criteria: ACMG Guidelines, 2015. Collection method: research. Allele origin: germline. Affected: yes. Not counted in ClinVar's aggregate classification.